The following is an entry in ClinVar:

ClinVar aggregate classification (germline): Uncertain significance. Review status: criteria provided, multiple submitters, no conflicts (2 of 4 stars). 2 submissions from 2 submitters: Uncertain significance (2). Last evaluated 2025-05-02.

Conditions:
Pyruvate kinase hyperactivity. Identifiers: MedGen C1863224, MONDO:0007067, OMIM 102900.
Pyruvate kinase deficiency of red cells (CNSHA2). Also called: Pyruvate kinase deficiency, Amish type; PK DEFICIENCY; PYRUVATE KINASE DEFICIENCY OF ERYTHROCYTE. Identifiers: Orphanet 766, MedGen C0340968, MONDO:0009950, OMIM 266200.

gnomAD v4.1: 7 of 1,614,154 alleles (0.00043%); highest among the groups gnomAD compares: Admixed American, 0.0017%; no homozygotes.

Submissions (2):

ARUP Laboratories, Molecular Genetics and Genomics, ARUP Laboratories
Classification: Uncertain significance. Last evaluated: 2025-05-02. Review status: criteria provided, single submitter. Criteria: ARUP Molecular Germline Variant Investigation Process 2024. Collection method: clinical testing. Allele origin: germline.
Comment: The PKLR c.1145G>A; p.Arg382Gln variant (rs952129836), to our knowledge, is not reported in the medical literature but is reported in ClinVar (Variation ID: 3595349). This variant is only observed on one allele in the Genome Aggregation Database (v2.1.1), indicating it is not a common polymorphism. Computational analyses predict that this variant is deleterious (REVEL: 0.931). However, given the lack of clinical and functional data, the significance of this variant is uncertain at this time.

Fulgent Genetics
Classification: Uncertain significance for Pyruvate kinase hyperactivity; Pyruvate kinase deficiency of red cells. Last evaluated: 2024-01-31. Review status: criteria provided, single submitter. Criteria: ACMG Guidelines, 2015. Collection method: clinical testing. Allele origin: germline.

NM_000298.6(PKLR):c.1145G>A (p.Arg382Gln)

Gene: PKLR (pyruvate kinase L/R; minus strand). Cytogenetic location: 1q22.
Variant type: single nucleotide variant.
Coding change: c.1145G>A on transcript NM_000298.6 (MANE Select); coding-DNA position 1145, G replaced by A.
Protein change: p.Arg382Gln; replaces arginine 382 with glutamine.
Molecular consequence: missense variant.
Genome position (GRCh38, 1-based): chr1:155,293,562, C>T on the plus strand (G>A on the coding strand, the complement: PKLR is on the minus strand). VCF-style: chr1-155293562-C-T. GRCh37 (hg19) VCF-style: chr1-155263353-C-T.
Other names: c.1052G>A, p.Arg351Gln (NM_181871.4); short protein forms R382Q, R351Q.
Identifiers: ClinVar variation 3595349 (VCV003595349.2).
Genomic context (GRCh38, chr1:155,293,562, plus strand): 5'-ATGCAGTCAGCCCCATCCAGCACAGCATTGGCGACATCGCTTGTCTCTGCCCTCGTTGGC[C>T]GGGGCTTGGTAATCATGCTCTCCAGCATCTGGGGGACAGCGTGGATGTCAAAGTTGTAGG-3'
Protein context (NP_000289.1, residues 372-392): QMLESMITKP[Arg382Gln]PTRAETSDVA